The following is an entry in ClinVar:

NM_001010874.5(TECRL):c.7A>G (p.Lys3Glu)

Gene: TECRL (trans-2,3-enoyl-CoA reductase like; minus strand). Cytogenetic location: 4q13.1.
Variant type: single nucleotide variant.
Coding change: c.7A>G on transcript NM_001010874.5 (MANE Select); coding-DNA position 7, A replaced by G.
Protein change: p.Lys3Glu; replaces lysine 3 with glutamic acid.
Molecular consequence: missense variant.
Genome position (GRCh38, 1-based): chr4:64,409,345, T>C on the plus strand (A>G on the coding strand, the complement: TECRL is on the minus strand). VCF-style: chr4-64409345-T-C. GRCh37 (hg19) VCF-style: chr4-65275063-T-C.
Other names: c.7A>G, p.Lys3Glu (NM_001363796.1); short protein forms K3E.
Identifiers: ClinVar variation 3232348 (VCV003232348.1), dbSNP rs2475862886, ClinGen allele CA357149608.

ClinVar aggregate classification (germline): Uncertain significance (1 of 4 stars; one submission).

Conditions:
Cardiovascular phenotype. Identifiers: MedGen CN230736.

Allele frequency attached by ClinVar (database versions not stated): gnomAD exomes 0.00001.
gnomAD v4.1: 3 of 1,612,722 alleles (0.00019%); highest among the groups gnomAD compares: Non-Finnish European, 0.00025%; no homozygotes.

Submission:

Ambry Genetics
Classification: Uncertain significance for Cardiovascular phenotype. Last evaluated: 2023-10-12. Review status: criteria provided, single submitter. Criteria: Ambry Variant Classification Scheme 2023. Collection method: clinical testing. Allele origin: germline.
Comment: The p.K3E variant (also known as c.7A>G), located in coding exon 1 of the TECRL gene, results from an A to G substitution at nucleotide position 7. The lysine at codon 3 is replaced by glutamic acid, an amino acid with similar properties. This amino acid position is conserved. In addition, this alteration is predicted to be tolerated by in silico analysis. Since supporting evidence is limited at this time, the clinical significance of this alteration remains unclear.